The following is an entry in ClinVar:

NM_004946.3(DOCK2):c.5279C>T (p.Thr1760Ile)

Gene: DOCK2 (dedicator of cytokinesis 2; plus strand). Cytogenetic location: 5q35.1.
Variant type: single nucleotide variant.
Coding change: c.5279C>T on transcript NM_004946.3 (MANE Select); coding-DNA position 5279, C replaced by T.
Protein change: p.Thr1760Ile; replaces threonine 1760 with isoleucine.
Molecular consequence: missense variant. On other transcripts: non-coding transcript variant (1).
Genome position (GRCh38, 1-based): chr5:170,080,275, C>T. VCF-style: chr5-170080275-C-T. GRCh37 (hg19) VCF-style: chr5-169507279-C-T.
Other names: short protein forms T1760I.
Identifiers: ClinVar variation 1930047 (VCV001930047.5), dbSNP rs772593666, ClinGen allele CA3554829.

ClinVar aggregate classification (germline): Uncertain significance (1 of 4 stars; one submission).

Conditions:
DOCK2 deficiency. Also called: Immunodeficiency 40. Identifiers: Orphanet 447737, MedGen C4225328, MONDO:0014637, OMIM 616433.

Allele frequency attached by ClinVar (database versions not stated): gnomAD exomes below 0.00001; ExAC 0.00003.
gnomAD v4.1: 6 of 1,614,150 alleles (0.00037%); highest among the groups gnomAD compares: Admixed American, 0.0067%; no homozygotes.

Submission:

Labcorp Genetics (formerly Invitae), Labcorp
Classification: Uncertain significance for DOCK2 deficiency. Last evaluated: 2022-02-12. Review status: criteria provided, single submitter. Criteria: Invitae Variant Classification Sherloc (09022015). Collection method: clinical testing. Allele origin: germline.
Comment: This variant has not been reported in the literature in individuals affected with DOCK2-related conditions. This sequence change replaces threonine, which is neutral and polar, with isoleucine, which is neutral and non-polar, at codon 1760 of the DOCK2 protein (p.Thr1760Ile). In summary, the available evidence is currently insufficient to determine the role of this variant in disease. Therefore, it has been classified as a Variant of Uncertain Significance. This variant is present in population databases (rs772593666, gnomAD 0.01%). Algorithms developed to predict the effect of missense changes on protein structure and function output the following: SIFT: "Deleterious"; PolyPhen-2: "Benign"; Align-GVGD: "Class C0". The isoleucine amino acid residue is found in multiple mammalian species, which suggests that this missense change does not adversely affect protein function.